The following is an entry in ClinVar:

ClinVar aggregate classification (germline): Uncertain significance (1 of 4 stars; one submission).

Conditions:
Congenital sensory neuropathy with selective loss of small myelinated fibers (HSAN5). Also called: HSAN Type V. Identifiers: Orphanet 64752, MedGen C0020075, MONDO:0012092, OMIM 608654.

Allele frequency attached by ClinVar (database versions not stated): gnomAD exomes below 0.00001; TOPMed below 0.00001; ExAC 0.00001; gnomAD 0.00001; 1000 Genomes Project 30x 0.00016.
gnomAD v4.1: 2 of 1,614,202 alleles (0.00012%); highest among the groups gnomAD compares: Non-Finnish European, 0.00017%; no homozygotes.

Submission:

Labcorp Genetics (formerly Invitae), Labcorp
Classification: Uncertain significance for Congenital sensory neuropathy with selective loss of small myelinated fibers. Last evaluated: 2019-10-15. Review status: criteria provided, single submitter. Criteria: Invitae Variant Classification Sherloc (09022015). Collection method: clinical testing. Allele origin: germline.
Comment: In summary, the available evidence is currently insufficient to determine the role of this variant in disease. Therefore, it has been classified as a Variant of Uncertain Significance. Algorithms developed to predict the effect of missense changes on protein structure and function are either unavailable or do not agree on the potential impact of this missense change (SIFT: "Deleterious"; PolyPhen-2: "Probably Damaging"; Align-GVGD: "Class C0"). This variant has not been reported in the literature in individuals with NGF-related conditions. This variant is present in population databases (rs776208737, ExAC 0.002%). This sequence change replaces glycine with arginine at codon 65 of the NGF protein (p.Gly65Arg). The glycine residue is moderately conserved and there is a moderate physicochemical difference between glycine and arginine.

NM_002506.3(NGF):c.193G>A (p.Gly65Arg)

Genes: NGF-AS1 (NGF antisense RNA 1; plus strand), NGF (nerve growth factor; minus strand). Cytogenetic location: 1p13.2.
Variant type: single nucleotide variant.
Coding change: c.193G>A on transcript NM_002506.3 (MANE Select); coding-DNA position 193, G replaced by A.
Protein change: p.Gly65Arg; replaces glycine 65 with arginine.
Molecular consequence: missense variant.
Genome position (GRCh38, 1-based): chr1:115,286,603, C>T on the plus strand (G>A on the coding strand, the complement: NGF is on the minus strand). VCF-style: chr1-115286603-C-T. GRCh37 (hg19) VCF-style: chr1-115829224-C-T.
Other names: short protein forms G65R.
Identifiers: ClinVar variation 969328 (VCV000969328.10), dbSNP rs776208737, ClinGen allele CA1023032.
Genomic context (GRCh38, chr1:115,286,603, plus strand): 5'-GTGAACGGAGTCGCCGCTTTTTAAACAGCCTGGGGTCCACAGTAATGTTGCGGGTCTGCC[C>T]CGCCACGCGTGCAGCTATCGCCGCTGCCGGGGCGCTGCGGGCTCTGCGAAGGGCAGTGTC-3'
Protein context (NP_002497.2, residues 55-75): PAAAIAARVA[Gly65Arg]QTRNITVDPR